The following is an entry in ClinVar:

ClinVar aggregate classification (germline): Pathogenic/Likely pathogenic. Review status: criteria provided, multiple submitters, no conflicts (2 of 4 stars). 4 submissions from 4 submitters: Pathogenic (1); Likely pathogenic (3). Last evaluated 2024-06-07.

Conditions:
Renal tubular acidosis with progressive nerve deafness. Also called: renal tubular acidosis, distal, 2, with progressive sensorineural hearing loss; Distal Renal Tubular Acidosis with Progressive Sensorineural Deafness; RENAL TUBULAR ACIDOSIS, AUTOSOMAL RECESSIVE, WITH PROGRESSIVE NERVE DEAFNESS; RTA WITH PROGRESSIVE NERVE DEAFNESS. Identifiers: MedGen C0403554, MONDO:0009968, OMIM 267300.

Allele frequency attached by ClinVar (database versions not stated): gnomAD 0.00001; TOPMed 0.00001.
gnomAD v4.1: 1 of 1,613,918 alleles (0.000062%); highest among the groups gnomAD compares: Admixed American, 0.0017%; no homozygotes.

Submissions (4):

Natera, Inc.
Classification: Likely pathogenic for Renal tubular acidosis with progressive nerve deafness. Last evaluated: 2024-06-07. Review status: criteria provided, single submitter. Criteria: Natera Variant Classification Schema (03/2026). Collection method: clinical testing. Allele origin: germline.
Comment: The c.1386C>G variant in ATP6V1B1 is a nonsense variant predicted to introduce a stop codon at amino acid 462. This variant is expected to result in nonsense mediated decay, truncation, or a dysfunctional protein product. This variant is rare in the general population with a frequency below the threshold expected for the associated phenotype(s). Given the available evidence, this variant is classified as Likely Pathogenic.

Labcorp Genetics (formerly Invitae), Labcorp
Classification: Pathogenic. Last evaluated: 2023-12-25. Review status: criteria provided, single submitter. Criteria: Invitae Variant Classification Sherloc (09022015). Collection method: clinical testing. Allele origin: germline.
Comment: This sequence change creates a premature translational stop signal (p.Tyr462*) in the ATP6V1B1 gene. While this is not anticipated to result in nonsense mediated decay, it is expected to disrupt the last 52 amino acid(s) of the ATP6V1B1 protein. This variant is not present in population databases (gnomAD no frequency). This variant has not been reported in the literature in individuals affected with ATP6V1B1-related conditions. ClinVar contains an entry for this variant (Variation ID: 801719). This variant disrupts a region of the ATP6V1B1 protein in which other variant(s) (p.Phe468Cysfs*20) have been determined to be pathogenic (PMID: 8651253, 18368028, 25164082). This suggests that this is a clinically significant region of the protein, and that variants that disrupt it are likely to be disease-causing. For these reasons, this variant has been classified as Pathogenic.

Fulgent Genetics
Classification: Likely pathogenic for Renal tubular acidosis with progressive nerve deafness. Last evaluated: 2022-01-04. Review status: criteria provided, single submitter. Criteria: ACMG Guidelines, 2015. Collection method: clinical testing. Allele origin: unknown.

Mendelics
Classification: Likely pathogenic for Renal tubular acidosis with progressive nerve deafness. Last evaluated: 2019-05-28. Review status: criteria provided, single submitter. Criteria: Mendelics Assertion Criteria 2017. Collection method: clinical testing. Allele origin: unknown.

Literature cited by the submitters: PubMed 8651253 (cited by Labcorp Genetics (formerly Invitae), Labcorp); PubMed 18368028 (cited by Labcorp Genetics (formerly Invitae), Labcorp); PubMed 25164082 (cited by Labcorp Genetics (formerly Invitae), Labcorp).

NM_001692.4(ATP6V1B1):c.1386C>G (p.Tyr462Ter)

Gene: ATP6V1B1 (ATPase H+ transporting V1 subunit B1; plus strand). Cytogenetic location: 2p13.3.
Variant type: single nucleotide variant.
Coding change: c.1386C>G on transcript NM_001692.4 (MANE Select); coding-DNA position 1386, C replaced by G.
Protein change: p.Tyr462Ter; replaces tyrosine 462 with a stop codon.
Molecular consequence: nonsense.
Genome position (GRCh38, 1-based): chr2:70,964,965, C>G. VCF-style: chr2-70964965-C-G. GRCh37 (hg19) VCF-style: chr2-71192095-C-G.
Other names: short protein forms Y462*.
Identifiers: ClinVar variation 801719 (VCV000801719.12), dbSNP rs1572924733, ClinGen allele CA347189267.